The following is an entry in ClinVar:

NM_203446.3(SYNJ1):c.*100G>C

Gene: SYNJ1 (synaptojanin 1; minus strand). Cytogenetic location: 21q22.11.
Variant type: single nucleotide variant.
Coding change: c.*100G>C on transcript NM_203446.3 (MANE Select); 100 bases downstream of the stop codon, G replaced by C.
Molecular consequence: 3 prime UTR variant. On other transcripts: missense variant (2).
Genome position (GRCh38, 1-based): chr21:32,631,705, C>G on the plus strand (G>C on the coding strand, the complement: SYNJ1 is on the minus strand). VCF-style: chr21-32631705-C-G. GRCh37 (hg19) VCF-style: chr21-34004015-C-G.
Other names: p.Ala1377Pro; c.*100G>C (NM_001160302.2); c.3871G>C, p.Ala1291Pro (NM_001160306.2); c.4129G>C, p.Ala1377Pro (NM_003895.4); short protein forms A1291P, A1377P.
Identifiers: ClinVar variation 4542406 (VCV004542406.1).

ClinVar aggregate classification (germline): Uncertain significance (1 of 4 stars; one submission).

Submission:

Mayo Clinic Laboratories, Mayo Clinic
Classification: Uncertain significance. Last evaluated: 2025-01-30. Review status: criteria provided, single submitter. Criteria: ACMG Guidelines, 2015. Collection method: clinical testing. Allele origin: germline. Observed: 1 variant allele.
Comment: PM2_supporting